The following is an entry in ClinVar:

ClinVar aggregate classification (germline): Uncertain significance (1 of 4 stars; one submission).

Conditions:
Inborn genetic diseases. Identifiers: MedGen C0950123, MeSH D030342.

Submission:

Ambry Genetics
Classification: Uncertain significance for Inborn genetic diseases. Last evaluated: 2025-06-13. Review status: criteria provided, single submitter. Criteria: Ambry Variant Classification Scheme 2023. Collection method: clinical testing. Allele origin: germline.
Comment: The p.D611N variant (also known as c.1831G>A), located in coding exon 21 of the FANCA gene, results from a G to A substitution at nucleotide position 1831. The aspartic acid at codon 611 is replaced by asparagine, an amino acid with highly similar properties. This amino acid position is conserved. In addition, this alteration is predicted to be tolerated by in silico analysis. Based on the available evidence, the clinical significance of this variant remains unclear.

NM_000135.4(FANCA):c.1831G>A (p.Asp611Asn)

Gene: FANCA (FA complementation group A; minus strand). Cytogenetic location: 16q24.3.
Variant type: single nucleotide variant.
Coding change: c.1831G>A on transcript NM_000135.4 (MANE Select); coding-DNA position 1831, G replaced by A.
Protein change: p.Asp611Asn; replaces aspartic acid 611 with asparagine.
Molecular consequence: missense variant.
Genome position (GRCh38, 1-based): chr16:89,775,811, C>T on the plus strand (G>A on the coding strand, the complement: FANCA is on the minus strand). VCF-style: chr16-89775811-C-T. GRCh37 (hg19) VCF-style: chr16-89842219-C-T.
Other names: c.1831G>A, p.Asp611Asn (NM_001286167.3); short protein forms D611N.
Identifiers: ClinVar variation 4022373 (VCV004022373.1).